The following is an entry in ClinVar:

NM_002439.5(MSH3):c.3352G>A (p.Asp1118Asn)

Gene: MSH3 (mutS homolog 3; plus strand). Cytogenetic location: 5q14.1.
Variant type: single nucleotide variant.
Coding change: c.3352G>A on transcript NM_002439.5 (MANE Select); coding-DNA position 3352, G replaced by A.
Protein change: p.Asp1118Asn; replaces aspartic acid 1118 with asparagine.
Molecular consequence: missense variant.
Genome position (GRCh38, 1-based): chr5:80,875,800, G>A. VCF-style: chr5-80875800-G-A. GRCh37 (hg19) VCF-style: chr5-80171619-G-A.
Other names: short protein forms D1118N.
Identifiers: ClinVar variation 3222296 (VCV003222296.1), dbSNP rs2112131814, ClinGen allele CA360347374.

ClinVar aggregate classification (germline): Uncertain significance (1 of 4 stars; one submission).

Conditions:
Hereditary cancer-predisposing syndrome. Also called: Tumor predisposition; Hereditary neoplastic syndrome; Hereditary Cancer Syndrome; Neoplastic Syndromes, Hereditary. Identifiers: Orphanet 140162, MedGen C0027672, MeSH D009386, MONDO:0015356.

Submission:

Ambry Genetics
Classification: Uncertain significance for Hereditary cancer-predisposing syndrome. Last evaluated: 2024-03-13. Review status: criteria provided, single submitter. Criteria: Ambry Variant Classification Scheme 2023. Collection method: clinical testing. Allele origin: germline.
Comment: The p.D1118N variant (also known as c.3352G>A), located in coding exon 24 of the MSH3 gene, results from a G to A substitution at nucleotide position 3352. The aspartic acid at codon 1118 is replaced by asparagine, an amino acid with highly similar properties. This amino acid position is conserved. In addition, this alteration is predicted to be tolerated by in silico analysis. Based on the available evidence, the clinical significance of this alteration remains unclear.